The following is an entry in ClinVar:

ClinVar aggregate classification (germline): Uncertain significance. Review status: criteria provided, multiple submitters, no conflicts (2 of 4 stars). 5 submissions from 5 submitters: Uncertain significance (3). 2 of the submissions do not count toward it. Last evaluated 2025-10-27.

Conditions:
Hypertrophic cardiomyopathy 1 (CMH1). Also called: Familial hypertrophic cardiomyopathy 1; MYH7-Related Familial Hypertrophic Cardiomyopathy. Identifiers: MedGen C3495498, MONDO:0008647, OMIM 192600.
Dilated cardiomyopathy 1EE (CMD1EE). Identifiers: Orphanet 154, MedGen C2750466, MONDO:0013198, OMIM 613252.
Atrial septal defect 3 (ASD3). Identifiers: Orphanet 1478, MedGen C3279790, MONDO:0013567, OMIM 614089.
Hypertrophic cardiomyopathy 14. Identifiers: MedGen C2750467, MONDO:0013197, OMIM 613251.
Sick sinus syndrome 3, susceptibility to (SSS3). Identifiers: Orphanet 166282, MedGen C3279791, MONDO:0013568, OMIM 614090.

Allele frequency attached by ClinVar (database versions not stated): gnomAD exomes 0.00001; ExAC 0.00002; TOPMed 0.00003; gnomAD 0.00006 and 0.00007; ESP Exome Variant Server 0.00008.
gnomAD v4.1: 11 of 1,613,958 alleles (0.00068%); highest among the groups gnomAD compares: African/African-American, 0.015%; no homozygotes.

Submissions (5):

Labcorp Genetics (formerly Invitae), Labcorp
Classification: Uncertain significance for Hypertrophic cardiomyopathy 14. Last evaluated: 2025-10-27. Review status: criteria provided, single submitter. Criteria: Invitae Variant Classification Sherloc (09022015). Collection method: clinical testing. Allele origin: germline.
Comment: This sequence change replaces methionine, which is neutral and non-polar, with threonine, which is neutral and polar, at codon 984 of the MYH6 protein (p.Met984Thr). This variant is present in population databases (rs202028680, gnomAD 0.02%). This variant has not been reported in the literature in individuals affected with MYH6-related conditions. ClinVar contains an entry for this variant (Variation ID: 1284281). Invitae Evidence Modeling of protein sequence and biophysical properties (such as structural, functional, and spatial information, amino acid conservation, physicochemical variation, residue mobility, and thermodynamic stability) indicates that this missense variant is not expected to disrupt MYH6 protein function with a negative predictive value of 80%. In summary, the available evidence is currently insufficient to determine the role of this variant in disease. Therefore, it has been classified as a Variant of Uncertain Significance.

AiLife Diagnostics
Classification: Uncertain significance. Last evaluated: 2021-12-16. Review status: criteria provided, single submitter. Criteria: ACMG Guidelines, 2015. Collection method: clinical testing. Allele origin: germline. Affected: yes. Observed: 1 variant allele.

Fulgent Genetics
Classification: Uncertain significance for Hypertrophic cardiomyopathy 1; Hypertrophic cardiomyopathy 14; Dilated cardiomyopathy 1EE; Atrial septal defect 3; Sick sinus syndrome 3, susceptibility to. Last evaluated: 2021-08-02. Review status: criteria provided, single submitter. Criteria: ACMG Guidelines, 2015. Collection method: clinical testing. Allele origin: unknown.

Clinical Genetics, Academic Medical Center
Classification: Uncertain significance. Review status: no assertion criteria provided. Collection method: clinical testing. Allele origin: germline. Affected: yes. Study: VKGL Data-share Consensus. Not counted in ClinVar's aggregate classification.

Joint Genome Diagnostic Labs from Nijmegen and Maastricht, Radboudumc and MUMC+
Classification: Uncertain significance. Review status: no assertion criteria provided. Collection method: clinical testing. Allele origin: germline. Affected: yes. Study: VKGL Data-share Consensus. Not counted in ClinVar's aggregate classification.

NM_002471.4(MYH6):c.2951T>C (p.Met984Thr)

Gene: MYH6 (myosin heavy chain 6; minus strand). Cytogenetic location: 14q11.2.
Variant type: single nucleotide variant.
Coding change: c.2951T>C on transcript NM_002471.4 (MANE Select); coding-DNA position 2951, T replaced by C.
Protein change: p.Met984Thr; replaces methionine 984 with threonine.
Molecular consequence: missense variant.
Genome position (GRCh38, 1-based): chr14:23,393,496, A>G on the plus strand (T>C on the coding strand, the complement: MYH6 is on the minus strand). VCF-style: chr14-23393496-A-G. GRCh37 (hg19) VCF-style: chr14-23862705-A-G.
Other names: short protein forms M984T.
Identifiers: ClinVar variation 1284281 (VCV001284281.7), dbSNP rs202028680, ClinGen allele CA7115338.